The following is an entry in ClinVar:

ClinVar aggregate classification (germline): Uncertain significance (1 of 4 stars; one submission).

Submission:

GeneDx
Classification: Uncertain significance. Last evaluated: 2026-05-14. Review status: criteria provided, single submitter. Criteria: GeneDx Variant Classification Process June 2021. Collection method: clinical testing. Allele origin: germline.
Comment: Not observed at significant frequency in large population cohorts (gnomAD); In silico analysis supports that this missense variant has a deleterious effect on protein structure/function; Has not been previously published as pathogenic or benign to our knowledge

NM_001999.4(FBN2):c.5010T>A (p.Phe1670Leu)

Gene: FBN2 (fibrillin 2; minus strand). Cytogenetic location: 5q23.3.
Variant type: single nucleotide variant.
Coding change: c.5010T>A on transcript NM_001999.4 (MANE Select); coding-DNA position 5010, T replaced by A.
Protein change: p.Phe1670Leu; replaces phenylalanine 1670 with leucine.
Molecular consequence: missense variant.
Genome position (GRCh38, 1-based): chr5:128,311,364, A>T on the plus strand (T>A on the coding strand, the complement: FBN2 is on the minus strand). VCF-style: chr5-128311364-A-T. GRCh37 (hg19) VCF-style: chr5-127647056-A-T.
Other names: short protein forms F1670L.
Identifiers: ClinVar variation 4538888 (VCV004538888.2).
Genomic context (GRCh38, chr5:128,311,364, plus strand): 5'-ACAGATGCGGGTATCCTCGCTGAGGTAGTAGCCTTGTGGGCACTCACACTGGAAGCTCCC[A>T]AAAGTGTTGATGCAGTTTCCACCCTGGCAGAGACCTGGTAACTCCTGGCATTCGTCAATG-3'
Protein context (NP_001990.2, residues 1660-1680): LCQGGNCINT[Phe1670Leu]GSFQCECPQG